The following is an entry in ClinVar:

NM_000458.4(HNF1B):c.536T>G (p.Ile179Ser)

Gene: HNF1B (HNF1 homeobox B; minus strand). Cytogenetic location: 17q12.
Variant type: single nucleotide variant.
Coding change: c.536T>G on transcript NM_000458.4 (MANE Select); coding-DNA position 536, T replaced by G.
Protein change: p.Ile179Ser; replaces isoleucine 179 with serine.
Molecular consequence: missense variant.
Genome position (GRCh38, 1-based): chr17:37,739,448, A>C on the plus strand (T>G on the coding strand, the complement: HNF1B is on the minus strand). VCF-style: chr17-37739448-A-C. GRCh37 (hg19) VCF-style: chr17-36099439-A-C.
Other names: c.536T>G, p.Ile179Ser (NM_001165923.4, NM_001304286.2, NM_001411100.1); short protein forms I179S.
Identifiers: ClinVar variation 3236189 (VCV003236189.1), dbSNP rs2033926040, ClinGen allele CA398751040.

ClinVar aggregate classification (germline): Uncertain significance (1 of 4 stars; one submission).

Conditions:
Renal cysts and diabetes syndrome (RCAD). Also called: MATURITY-ONSET DIABETES OF THE YOUNG, TYPE 5; Familial hypoplastic, glomerulocystic kidney. Identifiers: Orphanet 93111, MedGen C0431693, MONDO:0007669, OMIM 137920.

Submission:

MVZ Medizinische Genetik Mainz
Classification: Uncertain significance for Renal cysts and diabetes syndrome. Last evaluated: 2023-08-18. Review status: criteria provided, single submitter. Criteria: UK Practice Guidelines For Variant Classification V4 01 2020. Collection method: clinical testing. Allele origin: germline. Inheritance: Autosomal dominant inheritance. Affected: yes. Observed: 1 variant allele.
Comment: ACMG Criteria: PP3_STR,PM2_SUP